The following is an entry in ClinVar:

NM_005149.3(TBX19):c.766A>C (p.Thr256Pro)

Gene: TBX19 (T-box transcription factor 19; plus strand). Cytogenetic location: 1q24.2.
Variant type: single nucleotide variant.
Coding change: c.766A>C on transcript NM_005149.3 (MANE Select); coding-DNA position 766, A replaced by C.
Protein change: p.Thr256Pro; replaces threonine 256 with proline.
Molecular consequence: missense variant.
Genome position (GRCh38, 1-based): chr1:168,305,046, A>C. VCF-style: chr1-168305046-A-C. GRCh37 (hg19) VCF-style: chr1-168274284-A-C.
Other names: short protein forms T256P.
Identifiers: ClinVar variation 2228783 (VCV002228783.2), dbSNP rs768852976, ClinGen allele CA1230655.
Genomic context (GRCh38, chr1:168,305,046, plus strand): 5'-GTATTCCTCTTGTCTATTTTAGTGGGAGGCTGGATCTTTTCCAATCCAGATGGAGTGTGC[A>C]CAGCAGGAAACTCCAATTACCAGTATGCCGCTCCTCTGCCTCTGCCTGCTCCCCACACCC-3'
Protein context (NP_005140.1, residues 246-266): WIFSNPDGVC[Thr256Pro]AGNSNYQYAA

ClinVar aggregate classification (germline): Uncertain significance (1 of 4 stars; one submission).

Conditions:
Inborn genetic diseases. Identifiers: MedGen C0950123, MeSH D030342.

Allele frequency attached by ClinVar (database versions not stated): gnomAD 0.00001; TOPMed 0.00001; ExAC 0.00003; gnomAD exomes 0.00003.
gnomAD v4.1: 51 of 1,614,050 alleles (0.0032%); highest among the groups gnomAD compares: South Asian, 0.038%; 1 homozygote.

Submission:

Ambry Genetics
Classification: Uncertain significance for Inborn genetic diseases. Last evaluated: 2021-01-27. Review status: criteria provided, single submitter. Criteria: Ambry Variant Classification Scheme 2023. Collection method: clinical testing. Allele origin: germline.
Comment: The c.766A>C (p.T256P) alteration is located in exon 6 (coding exon 6) of the TBX19 gene. This alteration results from a A to C substitution at nucleotide position 766, causing the threonine (T) at amino acid position 256 to be replaced by a proline (P). The p.T256P alteration is predicted to be tolerated by in silico analysis. Based on insufficient or conflicting evidence, the clinical significance of this alteration remains unclear.